The following is an entry in ClinVar:

NM_004380.3(CREBBP):c.962A>G (p.Asn321Ser)

Gene: CREBBP (CREB binding lysine acetyltransferase; minus strand). Cytogenetic location: 16p13.3.
Variant type: single nucleotide variant.
Coding change: c.962A>G on transcript NM_004380.3 (MANE Select); coding-DNA position 962, A replaced by G.
Protein change: p.Asn321Ser; replaces asparagine 321 with serine.
Molecular consequence: missense variant.
Genome position (GRCh38, 1-based): chr16:3,810,616, T>C on the plus strand (A>G on the coding strand, the complement: CREBBP is on the minus strand). VCF-style: chr16-3810616-T-C. GRCh37 (hg19) VCF-style: chr16-3860617-T-C.
Other names: c.962A>G, p.Asn321Ser (NM_001079846.1); short protein forms N321S.
Identifiers: ClinVar variation 1767605 (VCV001767605.5), dbSNP rs372657355, ClinGen allele CA7870556.

ClinVar aggregate classification (germline): Conflicting classifications of pathogenicity. Review status: criteria provided, conflicting classifications (1 of 4 stars). 3 submissions from 3 submitters: Uncertain significance (1); Benign (1); Likely benign (1). Last evaluated 2025-11-06.

Conditions:
Inborn genetic diseases. Identifiers: MedGen C0950123, MeSH D030342.
Rubinstein-Taybi syndrome (RSTS). Identifiers: Orphanet 783, MedGen C0035934, MONDO:0019188.
CREBBP-related disorder. Also called: CREBBP-related condition; CREBBP-related disorders.

Allele frequency attached by ClinVar (database versions not stated): gnomAD exomes below 0.00001; ExAC 0.00001; gnomAD 0.00001; ESP Exome Variant Server 0.00008.
gnomAD v4.1: 7 of 1,613,232 alleles (0.00043%); highest among the groups gnomAD compares: African/African-American, 0.0027%; no homozygotes.

Submissions (3):

PreventionGenetics, part of Exact Sciences
Classification: Uncertain significance for CREBBP-related condition. Last evaluated: 2025-11-06. Review status: criteria provided, single submitter. Criteria: ACMG Guidelines, 2015. Collection method: clinical testing. Allele origin: germline.
Comment: The CREBBP c.962A>G variant is predicted to result in the amino acid substitution p.Asn321Ser. To our knowledge, this variant has not been reported in the literature. This variant is reported in 0.0040% of alleles in individuals of African descent in gnomAD. At this time, the clinical significance of this variant is uncertain due to the absence of conclusive functional and genetic evidence.

Labcorp Genetics (formerly Invitae), Labcorp
Classification: Benign for Rubinstein-Taybi syndrome. Last evaluated: 2025-05-01. Review status: criteria provided, single submitter. Criteria: Invitae Variant Classification Sherloc (09022015). Collection method: clinical testing. Allele origin: germline.

Ambry Genetics
Classification: Likely benign for Inborn genetic diseases. Last evaluated: 2022-04-19. Review status: criteria provided, single submitter. Criteria: Ambry Variant Classification Scheme 2023. Collection method: clinical testing. Allele origin: germline.